The following is an entry in ClinVar:

ClinVar aggregate classification (germline): Uncertain significance (1 of 4 stars; one submission).

Conditions:
Hereditary cancer-predisposing syndrome. Also called: Tumor predisposition; Neoplastic Syndromes, Hereditary; Hereditary Cancer Syndrome; Hereditary neoplastic syndrome. Identifiers: Orphanet 140162, MedGen C0027672, MeSH D009386, MONDO:0015356.

gnomAD v4.1: 1 of 1,609,094 alleles (0.000062%); highest among the groups gnomAD compares: Non-Finnish European, 0.000085%; no homozygotes.

Submission:

Ambry Genetics
Classification: Uncertain significance for Hereditary cancer-predisposing syndrome. Last evaluated: 2025-01-13. Review status: criteria provided, single submitter. Criteria: Ambry Variant Classification Scheme 2023. Collection method: clinical testing. Allele origin: germline.
Comment: The p.S961G variant (also known as c.2881A>G) is located in coding exon 21 of the PDGFRA gene. The serine at codon 961 is replaced by glycine, an amino acid with similar properties. This change occurs in the first base pair of coding exon 21. This amino acid position is conserved. In addition, the in silico prediction for this alteration is inconclusive. Based on the available evidence, the clinical significance of this variant remains unclear.

NM_006206.6(PDGFRA):c.2881A>G (p.Ser961Gly)

Gene: PDGFRA (platelet derived growth factor receptor alpha; plus strand). Cytogenetic location: 4q12.
Variant type: single nucleotide variant.
Coding change: c.2881A>G on transcript NM_006206.6 (MANE Select); coding-DNA position 2881, A replaced by G.
Protein change: p.Ser961Gly; replaces serine 961 with glycine.
Molecular consequence: missense variant.
Genome position (GRCh38, 1-based): chr4:54,290,313, A>G. VCF-style: chr4-54290313-A-G. GRCh37 (hg19) VCF-style: chr4-55156480-A-G.
Other names: c.2956A>G, p.Ser986Gly (NM_001347828.2); c.2881A>G, p.Ser961Gly (NM_001347829.2); c.2920A>G, p.Ser974Gly (NM_001347830.2); short protein forms S986G, S961G, S974G.
Identifiers: ClinVar variation 3887328 (VCV003887328.1).